The following is an entry in ClinVar:

ClinVar aggregate classification (germline): Benign/Likely benign. Review status: criteria provided, multiple submitters, no conflicts (2 of 4 stars). 4 submissions from 4 submitters: Benign (2); Likely benign (2). Last evaluated 2026-02-01.

Conditions:
Capillary malformation-arteriovenous malformation syndrome. Also called: Capillary malformation-arteriovenous malformation. Identifiers: Orphanet 137667, MedGen C1842180, MONDO:0012016.
Capillary malformation-arteriovenous malformation 1 (CMAVM1). Identifiers: Orphanet 137667, Orphanet 693907, MedGen C4747394, MONDO:0020783, OMIM 608354.

Allele frequency attached by ClinVar (database versions not stated): ESP Exome Variant Server 0.00023; 1000 Genomes Project 0.00160; gnomAD 0.00268 and 0.00270; gnomAD exomes 0.00357 and 0.00176; TOPMed 0.00061; ExAC 0.00325; 1000 Genomes Project 30x 0.00141.
gnomAD v4.1: 2,798 of 1,527,266 alleles (0.18%); highest among the groups gnomAD compares: East Asian, 1.4%; 19 homozygotes.

Submissions (4):

Labcorp Genetics (formerly Invitae), Labcorp
Classification: Benign for Capillary malformation-arteriovenous malformation syndrome. Last evaluated: 2026-02-01. Review status: criteria provided, single submitter. Criteria: Invitae Variant Classification Sherloc (09022015). Collection method: clinical testing. Allele origin: germline.

CeGaT Center for Human Genetics Tuebingen
Classification: Likely benign. Last evaluated: 2023-03-01. Review status: criteria provided, single submitter. Criteria: CeGaT Center For Human Genetics Tuebingen Variant Classification Criteria Version 2. Collection method: clinical testing. Allele origin: germline. Affected: yes. Observed: 2 variant alleles.
Comment: RASA1: BS1

GeneDx
Classification: Likely benign. Last evaluated: 2019-06-12. Review status: criteria provided, single submitter. Criteria: GeneDx Variant Classification Process June 2021. Collection method: clinical testing. Allele origin: germline. Affected: yes.

Illumina Laboratory Services, Illumina
Classification: Benign for Capillary malformation-arteriovenous malformation 1. Last evaluated: 2018-01-13. Review status: criteria provided, single submitter. Criteria: ICSL Variant Classification Criteria 13 December 2019. Collection method: clinical testing. Allele origin: germline.
Comment: This variant was observed in the ICSL laboratory as part of a predisposition screen in an ostensibly healthy population. It had not been previously curated by ICSL or reported in the Human Gene Mutation Database (HGMD: prior to June 1st, 2018), and was therefore a candidate for classification through an automated scoring system. Utilizing variant allele frequency, disease prevalence and penetrance estimates, and inheritance mode, an automated score was calculated to assess if this variant is too frequent to cause the disease. Based on the score and internal cut-off values, a variant classified as benign is not then subjected to further curation. The score for this variant resulted in a classification of benign for this disease.

NM_002890.3(RASA1):c.1102+10T>C

Genes: CCNH (cyclin H; minus strand), RASA1 (RAS p21 protein activator 1; plus strand). Cytogenetic location: 5q14.3.
Variant type: single nucleotide variant.
Coding change: c.1102+10T>C on transcript NM_002890.3 (MANE Select); 10 bases into the intron after coding-DNA position 1102, T replaced by C.
Molecular consequence: intron variant.
Genome position (GRCh38, 1-based): chr5:87,346,734, T>C. VCF-style: chr5-87346734-T-C. GRCh37 (hg19) VCF-style: chr5-86642551-T-C.
Other names: c.571+10T>C (NM_022650.3); c.934-33939A>G (NM_001364075.2).
Identifiers: ClinVar variation 354514 (VCV000354514.42), dbSNP rs150779406, ClinGen allele CA3335649.